The following is an entry in ClinVar:

NM_001369.3(DNAH5):c.4154_4155insCACATCTGTGATC (p.Gly1387fs)

Genes: DNAH5 (dynein axonemal heavy chain 5; minus strand), DNAH5-AS1 (DNAH5 antisense RNA 1; plus strand). Cytogenetic location: 5p15.2.
Variant type: Insertion.
Coding change: c.4154_4155insCACATCTGTGATC on transcript NM_001369.3 (MANE Select); coding-DNA positions 4154 to 4155, CACATCTGTGATC inserted.
Protein change: p.Gly1387fs; shifts the reading frame from glycine 1387.
Molecular consequence: frameshift variant.
Genome position: GRCh38 VCF-style: chr5-13865868-A-AGATCACAGATGTG. GRCh37 (hg19) VCF-style: chr5-13865977-A-AGATCACAGATGTG.
Other names: short protein forms G1387fs.
Identifiers: ClinVar variation 5010530 (VCV005010530.1).
Genomic context (GRCh38, chr5:13,865,868, plus strand): 5'-TATTTCAAGAAGCTGAGGATACTGTGTAGCTGGCAGGCCAAAAAGCTCCTCTCCTCCAGT[A>AGATCACAGATGTG]TATGTGATGTATTTCCGATAGATATTATCAAATTGATTCTAATAAAAACACAAGTGAAAA-3'

ClinVar aggregate classification (germline): Pathogenic (1 of 4 stars; one submission).

Conditions:
Primary ciliary dyskinesia 3. Identifiers: Orphanet 244, MedGen C1837618, MONDO:0012085, OMIM 608644.

Submission:

Myriad Genetics, Inc.
Classification: Pathogenic for Primary ciliary dyskinesia 3. Last evaluated: 2024-05-14. Review status: criteria provided, single submitter. Criteria: Myriad Autosomal Dominant, Autosomal Recessive and X-Linked Classification Criteria (2023). Collection method: clinical testing. Allele origin: unknown.
Comment: NM_001369.2(DNAH5):c.4154_4155ins13(G1387Sfs*22) is expected to be pathogenic in the context of primary ciliary dyskinesia, DNAH5-related. This variant is predicted to lead to an abnormal or absent protein product due to the creation of a premature termination codon in DNAH5, a gene where loss-of-function variants are known to be pathogenic. Please note: this variant was assessed in the context of healthy population screening.